The following is an entry in ClinVar:

ClinVar aggregate classification (germline): Uncertain significance (1 of 4 stars; one submission).

Conditions:
Inborn genetic diseases. Identifiers: MedGen C0950123, MeSH D030342.

Allele frequency attached by ClinVar (database versions not stated): gnomAD exomes below 0.00001; TOPMed below 0.00001.
gnomAD v4.1: 2 of 1,614,248 alleles (0.00012%); highest among the groups gnomAD compares: Admixed American, 0.0033%; no homozygotes.

Submission:

Ambry Genetics
Classification: Uncertain significance for Inborn genetic diseases. Last evaluated: 2020-02-03. Review status: criteria provided, single submitter. Criteria: Ambry Variant Classification Scheme 2023. Collection method: clinical testing. Allele origin: germline.
Comment: The p.K670E variant (also known as c.2008A>G), located in coding exon 6 of the LINS gene, results from an A to G substitution at nucleotide position 2008. The lysine at codon 670 is replaced by glutamic acid, an amino acid with similar properties. This amino acid position is poorly conserved in available vertebrate species. In addition, this alteration is predicted to be tolerated by in silico analysis. Since supporting evidence is limited at this time, the clinical significance of this alteration remains unclear.

NM_001040616.3(LINS1):c.2008A>G (p.Lys670Glu)

Gene: LINS1 (lines homolog 1; minus strand). Cytogenetic location: 15q26.3.
Variant type: single nucleotide variant.
Coding change: c.2008A>G on transcript NM_001040616.3 (MANE Select); coding-DNA position 2008, A replaced by G.
Protein change: p.Lys670Glu; replaces lysine 670 with glutamic acid.
Molecular consequence: missense variant. On other transcripts: non-coding transcript variant (3).
Genome position (GRCh38, 1-based): chr15:100,569,504, T>C on the plus strand (A>G on the coding strand, the complement: LINS1 is on the minus strand). VCF-style: chr15-100569504-T-C. GRCh37 (hg19) VCF-style: chr15-101109709-T-C.
Other names: c.1261A>G, p.Lys421Glu (NM_001352507.2); c.1855A>G, p.Lys619Glu (NM_001352508.2); short protein forms K421E, K619E, K670E.
Identifiers: ClinVar variation 1800163 (VCV001800163.2), dbSNP rs1230386872, ClinGen allele CA393945362.